The following is an entry in ClinVar:

ClinVar aggregate classification (germline): Conflicting classifications of pathogenicity. Review status: criteria provided, conflicting classifications (1 of 4 stars). 3 submissions from 3 submitters: Uncertain significance (1); Likely benign (1). 1 of the submissions does not count toward it. Last evaluated 2024-09-23.

Conditions:
Retinal dystrophy. Also called: Inherited retinal dystrophy. Identifiers: Orphanet 71862, MedGen C0854723, MeSH D058499, MONDO:0019118, HP:0000556.
RP1L1-related disorder. Also called: RP1L1-related condition.

Allele frequency attached by ClinVar (database versions not stated): gnomAD exomes 0.00005; ESP Exome Variant Server 0.00008; ExAC 0.00009; 1000 Genomes Project 0.00020; gnomAD 0.00023; TOPMed 0.00023; 1000 Genomes Project 30x 0.00031.
gnomAD v4.1: 113 of 1,613,842 alleles (0.007%); highest among the groups gnomAD compares: African/African-American, 0.079%; no homozygotes.

Submissions (3):

Blueprint Genetics
Classification: Likely benign. Last evaluated: 2024-09-23. Review status: criteria provided, single submitter. Criteria: ACMG Guidelines, 2015. Collection method: clinical testing. Allele origin: germline.

Dept Of Ophthalmology, Nagoya University
Classification: Uncertain significance for Retinal dystrophy. Last evaluated: 2023-10-01. Review status: criteria provided, single submitter. Criteria: Submitter's publication. Collection method: research. Allele origin: germline. Affected: yes.

PreventionGenetics, part of Exact Sciences
Classification: Likely benign for RP1L1-related condition. Last evaluated: 2019-10-31. Review status: no assertion criteria provided. Collection method: clinical testing. Allele origin: germline. Not counted in ClinVar's aggregate classification.
Comment: This variant is classified as likely benign based on ACMG/AMP sequence variant interpretation guidelines (Richards et al. 2015 PMID: 25741868, with internal and published modifications).

NM_178857.6(RP1L1):c.5145G>A (p.Thr1715=)

Gene: RP1L1 (RP1 like 1). Cytogenetic location: 8p23.1.
Variant type: single nucleotide variant.
Coding change: c.5145G>A on transcript NM_178857.6 (MANE Select); coding-DNA position 5145, G replaced by A.
Protein change: p.Thr1715=; no amino-acid change (threonine 1715 retained).
Molecular consequence: synonymous variant.
Genome position (GRCh38, 1-based): chr8:10,608,953, C>T on the plus strand (G>A on the coding strand, the complement: RP1L1 is on the minus strand). VCF-style: chr8-10608953-C-T. GRCh37 (hg19) VCF-style: chr8-10466463-C-T.
Other names: c.5145G>A (NM_178857.5).
Identifiers: ClinVar variation 3027972 (VCV003027972.4), dbSNP rs202110937, ClinGen allele CA4623752.
Genomic context (GRCh38, chr8:10,608,953, plus strand): 5'-GCTCAGCCCCGGCCCCAGCCCTCCCTCAGCTCCCTGGACAGTCCTAGTGCTCGTGGGGTC[C>T]GTGTGGGTCTTGCCAGGGGCCACCTCTGCTGCCTCCCCATCAGTGTGTTCTCCCCTCTTC-3'
Protein context (NP_849188.4, residues 1705-1725): AAEVAPGKTH[Thr1715=]DPTSTRTVQG